The following is an entry in ClinVar:

ClinVar aggregate classification (germline): Uncertain significance (1 of 4 stars; one submission).

Submission:

Labcorp Genetics (formerly Invitae), Labcorp
Classification: Uncertain significance. Last evaluated: 2024-12-04. Review status: criteria provided, single submitter. Criteria: Invitae Variant Classification Sherloc (09022015). Collection method: clinical testing. Allele origin: germline.
Comment: This sequence change replaces glutamic acid, which is acidic and polar, with aspartic acid, which is acidic and polar, at codon 837 of the TONSL protein (p.Glu837Asp). This variant is present in population databases (no rsID available, gnomAD 0.01%). This variant has not been reported in the literature in individuals affected with TONSL-related conditions. Invitae Evidence Modeling of protein sequence and biophysical properties (such as structural, functional, and spatial information, amino acid conservation, physicochemical variation, residue mobility, and thermodynamic stability) indicates that this missense variant is not expected to disrupt TONSL protein function with a negative predictive value of 80%. In summary, the available evidence is currently insufficient to determine the role of this variant in disease. Therefore, it has been classified as a Variant of Uncertain Significance.

NM_013432.5(TONSL):c.2511G>C (p.Glu837Asp)

Genes: TONSL (tonsoku like, DNA repair protein; minus strand), TONSL-AS1 (TONSL antisense RNA 1; plus strand). Cytogenetic location: 8q24.3.
Variant type: single nucleotide variant.
Coding change: c.2511G>C on transcript NM_013432.5 (MANE Select); coding-DNA position 2511, G replaced by C.
Protein change: p.Glu837Asp; replaces glutamic acid 837 with aspartic acid.
Molecular consequence: missense variant.
Genome position (GRCh38, 1-based): chr8:144,435,922, C>G on the plus strand (G>C on the coding strand, the complement: TONSL is on the minus strand). VCF-style: chr8-144435922-C-G. GRCh37 (hg19) VCF-style: chr8-145661305-C-G.
Other names: short protein forms E837D.
Identifiers: ClinVar variation 3700303 (VCV003700303.2).
Genomic context (GRCh38, chr8:144,435,922, plus strand): 5'-GCGGTTGTCTCCAGTGCCCCGGGGGCGGGGCCGGCGGCTGCGGGTCAGGGGCATGTCCAG[C>G]TCCAGCCAGTCCCCGGCCAGGCACTCCTCCTCCGGGATGAGCGCTGCCTGGGGGGCAAGG-3'
Protein context (NP_038460.4, residues 827-847): EEECLAGDWL[Glu837Asp]LDMPLTRSRR